The following is an entry in ClinVar:

NM_001481.3(DRC4):c.495+1G>T

Gene: DRC4 (dynein regulatory complex subunit 4; plus strand). Cytogenetic location: 16q24.3.
Variant type: single nucleotide variant.
Coding change: c.495+1G>T on transcript NM_001481.3 (MANE Select); the canonical splice donor site of the intron after coding-DNA position 495, G replaced by T.
Molecular consequence: splice donor variant.
Genome position (GRCh38, 1-based): chr16:90,032,925, G>T. VCF-style: chr16-90032925-G-T. GRCh37 (hg19) VCF-style: chr16-90099333-G-T.
Other names: c.420+1G>T (NM_001286209.2); c.246+1G>T (NM_001286205.2); c.-27+1G>T (NM_001286208.2).
Identifiers: ClinVar variation 2431345 (VCV002431345.5), dbSNP rs2543473366, ClinGen allele CA397463182.

ClinVar aggregate classification (germline): Likely pathogenic. Review status: criteria provided, multiple submitters, no conflicts (2 of 4 stars). 2 submissions from 2 submitters: Likely pathogenic (2). Last evaluated 2023-03-02.

Conditions:
Primary ciliary dyskinesia 33. Also called: CILIARY DYSKINESIA, PRIMARY, 33, WITHOUT SITUS INVERSUS. Identifiers: Orphanet 244, MedGen C4225230, MONDO:0014750, OMIM 616726.

Submissions (2):

Department of Paediatric Medicine, Post Graduation Institute of Medical Education and Research
Classification: Likely pathogenic for Primary ciliary dyskinesia 33. Last evaluated: 2023-03-02. Review status: criteria provided, single submitter. Criteria: ACMG Guidelines, 2015. Collection method: clinical testing. Allele origin: inherited. Inheritance: Autosomal recessive inheritance. Affected: no. Observed: 1 variant allele, 1 heterozygote.
Comment: PVS1, PM2

Labcorp Genetics (formerly Invitae), Labcorp
Classification: Likely pathogenic for Primary ciliary dyskinesia 33. Last evaluated: 2022-12-22. Review status: criteria provided, single submitter. Criteria: Invitae Variant Classification Sherloc (09022015). Collection method: clinical testing. Allele origin: germline.
Comment: This variant has not been reported in the literature in individuals affected with GAS8-related conditions. This variant is not present in population databases (gnomAD no frequency). This sequence change affects a donor splice site in intron 4 of the GAS8 gene. It is expected to disrupt RNA splicing. Variants that disrupt the donor or acceptor splice site typically lead to a loss of protein function (PMID: 16199547), and loss-of-function variants in GAS8 are known to be pathogenic (PMID: 26387594). Algorithms developed to predict the effect of sequence changes on RNA splicing suggest that this variant may disrupt the consensus splice site. In summary, the currently available evidence indicates that the variant is pathogenic, but additional data are needed to prove that conclusively. Therefore, this variant has been classified as Likely Pathogenic.

Literature cited by the submitters: PubMed 16199547 (cited by Labcorp Genetics (formerly Invitae), Labcorp); PubMed 26387594 (cited by Labcorp Genetics (formerly Invitae), Labcorp).